The following is an entry in ClinVar:

ClinVar aggregate classification (germline): Uncertain significance (1 of 4 stars; one submission).

Conditions:
Hereditary cancer-predisposing syndrome. Also called: Tumor predisposition; Hereditary neoplastic syndrome; Hereditary Cancer Syndrome; Neoplastic Syndromes, Hereditary. Identifiers: Orphanet 140162, MedGen C0027672, MeSH D009386, MONDO:0015356.

Submission:

Ambry Genetics
Classification: Uncertain significance for Hereditary cancer-predisposing syndrome. Last evaluated: 2023-12-27. Review status: criteria provided, single submitter. Criteria: Ambry Variant Classification Scheme 2023. Collection method: clinical testing. Allele origin: germline.
Comment: The c.2127C>T variant (also known as p.G709G), located in coding exon 14 of the CTNNA1 gene, results from a C to T substitution at nucleotide position 2127. This nucleotide substitution does not change the at codon 709. This nucleotide position is not well conserved in available vertebrate species. In silico splice site analysis predicts that this alteration may result in the creation or strengthening of a novel splice donor site. The evidence for this gene-disease relationship is limited; therefore, the clinical significance of this alteration is unclear.

NM_001903.5(CTNNA1):c.2127C>T (p.Gly709=)

Gene: CTNNA1 (catenin alpha 1; plus strand). Cytogenetic location: 5q31.2.
Variant type: single nucleotide variant.
Coding change: c.2127C>T on transcript NM_001903.5 (MANE Select); coding-DNA position 2127, C replaced by T.
Protein change: p.Gly709=; no amino-acid change (glycine 709 retained).
Molecular consequence: synonymous variant.
Genome position (GRCh38, 1-based): chr5:138,930,589, C>T. VCF-style: chr5-138930589-C-T. GRCh37 (hg19) VCF-style: chr5-138266278-C-T.
Other names: c.2127C>T, p.Gly709= (NM_001290307.3, NM_001323982.2, NM_001323983.1 and 2 more transcripts); c.1818C>T, p.Gly606= (NM_001290309.3); c.1758C>T, p.Gly586= (NM_001290310.3); c.1017C>T, p.Gly339= (NM_001290312.1, NM_001323987.1, NM_001323988.1 and 17 more transcripts); c.2034C>T, p.Gly678= (NM_001323986.2); c.678C>T, p.Gly226= (NM_001324006.1, NM_001324007.1, NM_001324008.1 and 2 more transcripts); c.924C>T, p.Gly308= (NM_001324011.1); c.774C>T, p.Gly258= (NM_001324012.1, NM_001324013.1).
Identifiers: ClinVar variation 3221896 (VCV003221896.1), dbSNP rs2150334746, ClinGen allele CA446597876.